The following is an entry in ClinVar:

ClinVar aggregate classification (germline): Uncertain significance. Review status: criteria provided, multiple submitters, no conflicts (2 of 4 stars). 2 submissions from 2 submitters: Uncertain significance (2). Last evaluated 2025-11-20.

Allele frequency attached by ClinVar (database versions not stated): ExAC 0.00001; gnomAD exomes 0.00001.
gnomAD v4.1: 17 of 1,606,068 alleles (0.0011%); highest among the groups gnomAD compares: East Asian, 0.0045%; no homozygotes.

Submissions (2):

Ambry Genetics
Classification: Uncertain significance. Last evaluated: 2025-11-20. Review status: criteria provided, single submitter. Criteria: Ambry Variant Classification Scheme 2023. Collection method: clinical testing. Allele origin: germline.

Labcorp Genetics (formerly Invitae), Labcorp
Classification: Uncertain significance. Last evaluated: 2024-10-07. Review status: criteria provided, single submitter. Criteria: Invitae Variant Classification Sherloc (09022015). Collection method: clinical testing. Allele origin: germline.
Comment: This sequence change replaces arginine, which is basic and polar, with histidine, which is basic and polar, at codon 1448 of the DSCAML1 protein (p.Arg1448His). This variant is present in population databases (rs754281658, gnomAD 0.003%). This variant has not been reported in the literature in individuals affected with DSCAML1-related conditions. ClinVar contains an entry for this variant (Variation ID: 1464326). An algorithm developed to predict the effect of missense changes on protein structure and function (PolyPhen-2) suggests that this variant is likely to be disruptive. In summary, the available evidence is currently insufficient to determine the role of this variant in disease. Therefore, it has been classified as a Variant of Uncertain Significance.

NM_020693.4(DSCAML1):c.4163G>A (p.Arg1388His)

Gene: DSCAML1 (DS cell adhesion molecule like 1; minus strand). Cytogenetic location: 11q23.3.
Variant type: single nucleotide variant.
Coding change: c.4163G>A on transcript NM_020693.4 (MANE Select); coding-DNA position 4163, G replaced by A.
Protein change: p.Arg1388His; replaces arginine 1388 with histidine.
Molecular consequence: missense variant.
Genome position (GRCh38, 1-based): chr11:117,438,965, C>T on the plus strand (G>A on the coding strand, the complement: DSCAML1 is on the minus strand). VCF-style: chr11-117438965-C-T. GRCh37 (hg19) VCF-style: chr11-117309681-C-T.
Other names: c.4343G>A (NM_020693.2); short protein forms R1388H.
Identifiers: ClinVar variation 1464326 (VCV001464326.7), dbSNP rs754281658, ClinGen allele CA6296464.